The following is an entry in ClinVar:

ClinVar aggregate classification (germline): Uncertain significance (1 of 4 stars; one submission).

Allele frequency attached by ClinVar (database versions not stated): gnomAD exomes below 0.00001 and 0.00001; TOPMed 0.00001; ExAC 0.00002; gnomAD 0.00003 and 0.00004.
gnomAD v4.1: 23 of 1,613,454 alleles (0.0014%); highest among the groups gnomAD compares: Non-Finnish European, 0.0017%; no homozygotes.

Submission:

Labcorp Genetics (formerly Invitae), Labcorp
Classification: Uncertain significance. Last evaluated: 2021-10-22. Review status: criteria provided, single submitter. Criteria: Invitae Variant Classification Sherloc (09022015). Collection method: clinical testing. Allele origin: germline.
Comment: This sequence change replaces glycine with aspartic acid at codon 3120 of the PCLO protein (p.Gly3120Asp). The glycine residue is moderately conserved and there is a moderate physicochemical difference between glycine and aspartic acid. This variant is present in population databases (rs780237558, ExAC 0.003%). This variant has not been reported in the literature in individuals affected with PCLO-related conditions. Algorithms developed to predict the effect of missense changes on protein structure and function are either unavailable or do not agree on the potential impact of this missense change (SIFT: "Deleterious"; PolyPhen-2: "Not Available"; Align-GVGD: "Class C0"). In summary, the available evidence is currently insufficient to determine the role of this variant in disease. Therefore, it has been classified as a Variant of Uncertain Significance.

NM_033026.6(PCLO):c.9359G>A (p.Gly3120Asp)

Gene: PCLO (piccolo presynaptic cytomatrix protein; minus strand). Cytogenetic location: 7q21.11.
Variant type: single nucleotide variant.
Coding change: c.9359G>A on transcript NM_033026.6 (MANE Select); coding-DNA position 9359, G replaced by A.
Protein change: p.Gly3120Asp; replaces glycine 3120 with aspartic acid.
Molecular consequence: missense variant.
Genome position (GRCh38, 1-based): chr7:82,951,229, C>T on the plus strand (G>A on the coding strand, the complement: PCLO is on the minus strand). VCF-style: chr7-82951229-C-T. GRCh37 (hg19) VCF-style: chr7-82580545-C-T.
Other names: c.9359G>A, p.Gly3120Asp (NM_014510.3); short protein forms G3120D.
Identifiers: ClinVar variation 1514507 (VCV001514507.3), dbSNP rs780237558, ClinGen allele CA4319943.